The following is an entry in ClinVar:

NM_000211.5(ITGB2):c.59-10C>A

Gene: ITGB2 (integrin subunit beta 2; minus strand). Cytogenetic location: 21q22.3.
Variant type: single nucleotide variant.
Coding change: c.59-10C>A on transcript NM_000211.5 (MANE Select); 10 bases into the intron before coding-DNA position 59, C replaced by A.
Molecular consequence: intron variant. On other transcripts: 5 prime UTR variant (1).
Genome position (GRCh38, 1-based): chr21:44,910,382, G>T on the plus strand (C>A on the coding strand, the complement: ITGB2 is on the minus strand). VCF-style: chr21-44910382-G-T. GRCh37 (hg19) VCF-style: chr21-46330297-G-T.
Other names: c.-159C>A (NM_001303238.2); c.59-10C>A (NM_001127491.3).
Identifiers: ClinVar variation 2138401 (VCV002138401.4), dbSNP rs757352177, ClinGen allele CA2577624547.

ClinVar aggregate classification (germline): Pathogenic (1 of 4 stars; one submission).

Conditions:
Leukocyte adhesion deficiency 1 (LAD1). Also called: LEUKOCYTE ADHESION DEFICIENCY, TYPE I; LAD 1; Lymphocyte function-associated antigen 1 immunodeficiency; LFA 1 immunodeficiency. Identifiers: Orphanet 2968, Orphanet 99842, MedGen C0398738, MONDO:0007293, OMIM 116920.

gnomAD v4.1: 3 of 1,614,104 alleles (0.00019%); highest among the groups gnomAD compares: Non-Finnish European, 0.00025%; no homozygotes.

Submission:

Labcorp Genetics (formerly Invitae), Labcorp
Classification: Pathogenic for Leukocyte adhesion deficiency 1. Last evaluated: 2024-03-04. Review status: criteria provided, single submitter. Criteria: Invitae Variant Classification Sherloc (09022015). Collection method: clinical testing. Allele origin: germline.
Comment: This sequence change falls in intron 2 of the ITGB2 gene. It does not directly change the encoded amino acid sequence of the ITGB2 protein. This variant is not present in population databases (gnomAD no frequency). This variant has been observed in individual(s) with leukocyte adhesion deficiency-1 (PMID: 21195692; Invitae). In at least one individual the data is consistent with being in trans (on the opposite chromosome) from a pathogenic variant. ClinVar contains an entry for this variant (Variation ID: 2138401). Studies have shown that this variant alters mRNA splicing and is expected to lead to the loss of protein expression (PMID: 21195692). For these reasons, this variant has been classified as Pathogenic.

Literature cited by the submitters: PubMed 21195692.